The following is an entry in ClinVar:

ClinVar aggregate classification (germline): Uncertain significance. Review status: criteria provided, single submitter (1 of 4 stars). 2 submissions from 2 submitters: Uncertain significance (1). 1 of the submissions does not count toward it. Last evaluated 2023-03-28.

Conditions:
Inborn genetic diseases. Identifiers: MedGen C0950123, MeSH D030342.
MYT1-related disorder. Also called: MYT1-related condition.

Allele frequency attached by ClinVar (database versions not stated): gnomAD exomes 0.00025; gnomAD 0.00048; TOPMed 0.00063; ExAC 0.00066; 1000 Genomes Project 30x 0.00141; 1000 Genomes Project 0.00160.
gnomAD v4.1: 512 of 1,614,110 alleles (0.032%); highest among the groups gnomAD compares: East Asian, 0.89%; 7 homozygotes.

Submissions (2):

Ambry Genetics
Classification: Uncertain significance for Inborn genetic diseases. Last evaluated: 2023-03-28. Review status: criteria provided, single submitter. Criteria: Ambry Variant Classification Scheme 2023. Collection method: clinical testing. Allele origin: germline.

PreventionGenetics, part of Exact Sciences
Classification: Benign for MYT1-related condition. Last evaluated: 2019-09-18. Review status: no assertion criteria provided. Collection method: clinical testing. Allele origin: germline. Not counted in ClinVar's aggregate classification.
Comment: This variant is classified as benign based on ACMG/AMP sequence variant interpretation guidelines (Richards et al. 2015 PMID: 25741868, with internal and published modifications).

NM_004535.3(MYT1):c.468C>A (p.Ser156Arg)

Gene: MYT1 (myelin transcription factor 1; plus strand). Cytogenetic location: 20q13.33.
Variant type: single nucleotide variant.
Coding change: c.468C>A on transcript NM_004535.3 (MANE Select); coding-DNA position 468, C replaced by A.
Protein change: p.Ser156Arg; replaces serine 156 with arginine.
Molecular consequence: missense variant.
Genome position (GRCh38, 1-based): chr20:64,207,664, C>A. VCF-style: chr20-64207664-C-A. GRCh37 (hg19) VCF-style: chr20-62839017-C-A.
Other names: short protein forms S156R.
Identifiers: ClinVar variation 2524910 (VCV002524910.4), dbSNP rs75329253, ClinGen allele CA9974606.